The following is an entry in ClinVar:

ClinVar aggregate classification (germline): Uncertain significance (1 of 4 stars; one submission).

Conditions:
Early Myoclonic Encephalopathy. Identifiers: MedGen C0270855.

Allele frequency attached by ClinVar (database versions not stated): gnomAD exomes below 0.00001.
gnomAD v4.1: 1 of 1,614,040 alleles (0.000062%); highest among the groups gnomAD compares: Non-Finnish European, 0.000085%; no homozygotes.

Submission:

Labcorp Genetics (formerly Invitae), Labcorp
Classification: Uncertain significance for Early Myoclonic Encephalopathy. Last evaluated: 2023-08-31. Review status: criteria provided, single submitter. Criteria: Invitae Variant Classification Sherloc (09022015). Collection method: clinical testing. Allele origin: germline.
Comment: In summary, the available evidence is currently insufficient to determine the role of this variant in disease. Therefore, it has been classified as a Variant of Uncertain Significance. Advanced modeling of protein sequence and biophysical properties (such as structural, functional, and spatial information, amino acid conservation, physicochemical variation, residue mobility, and thermodynamic stability) performed at Invitae indicates that this missense variant is expected to disrupt JMJD1C protein function. This variant has not been reported in the literature in individuals affected with JMJD1C-related conditions. This variant is not present in population databases (gnomAD no frequency). This sequence change replaces histidine, which is basic and polar, with tyrosine, which is neutral and polar, at codon 787 of the JMJD1C protein (p.His787Tyr).

NM_032776.3(JMJD1C):c.2359C>T (p.His787Tyr)

Gene: JMJD1C (jumonji domain containing 1C; minus strand). Cytogenetic location: 10q21.3.
Variant type: single nucleotide variant.
Coding change: c.2359C>T on transcript NM_032776.3 (MANE Select); coding-DNA position 2359, C replaced by T.
Protein change: p.His787Tyr; replaces histidine 787 with tyrosine.
Molecular consequence: missense variant. On other transcripts: non-coding transcript variant (1).
Genome position (GRCh38, 1-based): chr10:63,213,808, G>A on the plus strand (C>T on the coding strand, the complement: JMJD1C is on the minus strand). VCF-style: chr10-63213808-G-A. GRCh37 (hg19) VCF-style: chr10-64973568-G-A.
Other names: c.1813C>T, p.His605Tyr (NM_001282948.2, NM_001318154.2); c.1495C>T, p.His499Tyr (NM_001318153.2); c.2245C>T, p.His749Tyr (NM_001322252.2); c.1702C>T, p.His568Tyr (NM_001322254.2, NM_001322258.2); short protein forms H499Y, H749Y, H605Y, H568Y, H787Y.
Identifiers: ClinVar variation 2872722 (VCV002872722.3), dbSNP rs2492768014, ClinGen allele CA377045277.